The following is an entry in ClinVar:

ClinVar aggregate classification (germline): Uncertain significance (1 of 4 stars; one submission).

Submission:

GeneDx
Classification: Uncertain significance. Last evaluated: 2023-03-25. Review status: criteria provided, single submitter. Criteria: GeneDx Variant Classification Process June 2021. Collection method: clinical testing. Allele origin: germline. Affected: yes.
Comment: Not observed at significant frequency in large population cohorts (gnomAD); In silico analysis supports that this missense variant has a deleterious effect on protein structure/function; Has not been previously published as pathogenic or benign to our knowledge; This variant is associated with the following publications: (PMID: 25486365)

NM_001042492.3(NF1):c.7358G>T (p.Cys2453Phe)

Gene: NF1 (neurofibromin 1; plus strand). Cytogenetic location: 17q11.2.
Variant type: single nucleotide variant.
Coding change: c.7358G>T on transcript NM_001042492.3 (MANE Select); coding-DNA position 7358, G replaced by T.
Protein change: p.Cys2453Phe; replaces cysteine 2453 with phenylalanine.
Molecular consequence: missense variant.
Genome position (GRCh38, 1-based): chr17:31,350,219, G>T. VCF-style: chr17-31350219-G-T. GRCh37 (hg19) VCF-style: chr17-29677237-G-T.
Other names: c.7295G>T, p.Cys2432Phe (NM_000267.4); short protein forms C2432F, C2453F.
Identifiers: ClinVar variation 2580468 (VCV002580468.1), dbSNP rs1242069663, ClinGen allele CA399017018.
Genomic context (GRCh38, chr17:31,350,219, plus strand): 5'-AACCTGCCACCGTTTTCCTTTTAGCTTTACTTACAGTGTCTGAAGAAGTTCGAAGTCGCT[G>T]CAGCCTAAAACATAGAAAGTCACTTCTTCTTACTGATATTTCAATGGAAAATGTTCCTAT-3'
Protein context (NP_001035957.1, residues 2443-2463): LTVSEEVRSR[Cys2453Phe]SLKHRKSLLL